The following is an entry in ClinVar:

ClinVar aggregate classification (germline): Uncertain significance. Review status: criteria provided, multiple submitters, no conflicts (2 of 4 stars). 2 submissions from 2 submitters: Uncertain significance (2). Last evaluated 2024-01-24.

Conditions:
Epidermodysplasia verruciformis. Identifiers: Orphanet 302, MedGen C0014522, MONDO:0009176.
Inborn genetic diseases. Identifiers: MedGen C0950123, MeSH D030342.

Allele frequency attached by ClinVar (database versions not stated): ExAC 0.00005; gnomAD exomes 0.00001; ESP Exome Variant Server 0.00008; 1000 Genomes Project 30x 0.00016; 1000 Genomes Project 0.00020.
gnomAD v4.1: 23 of 1,551,594 alleles (0.0015%); highest among the groups gnomAD compares: African/African-American, 0.029%; no homozygotes.

Submissions (2):

Ambry Genetics
Classification: Uncertain significance for Inborn genetic diseases. Last evaluated: 2024-01-24. Review status: criteria provided, single submitter. Criteria: Ambry Variant Classification Scheme 2023. Collection method: clinical testing. Allele origin: germline.

Labcorp Genetics (formerly Invitae), Labcorp
Classification: Uncertain significance for Epidermodysplasia verruciformis. Last evaluated: 2022-07-30. Review status: criteria provided, single submitter. Criteria: Invitae Variant Classification Sherloc (09022015). Collection method: clinical testing. Allele origin: germline.
Comment: This sequence change replaces tyrosine, which is neutral and polar, with phenylalanine, which is neutral and non-polar, at codon 101 of the TMC6 protein (p.Tyr101Phe). This variant is present in population databases (rs145262917, gnomAD 0.02%). This variant has not been reported in the literature in individuals affected with TMC6-related conditions. ClinVar contains an entry for this variant (Variation ID: 1511621). Algorithms developed to predict the effect of missense changes on protein structure and function are either unavailable or do not agree on the potential impact of this missense change (SIFT: "Not Available"; PolyPhen-2: "Benign"; Align-GVGD: "Not Available"). In summary, the available evidence is currently insufficient to determine the role of this variant in disease. Therefore, it has been classified as a Variant of Uncertain Significance.

NM_001127198.5(TMC6):c.302A>T (p.Tyr101Phe)

Gene: TMC6 (transmembrane channel like 6; minus strand). Cytogenetic location: 17q25.3.
Variant type: single nucleotide variant.
Coding change: c.302A>T on transcript NM_001127198.5 (MANE Select); coding-DNA position 302, A replaced by T.
Protein change: p.Tyr101Phe; replaces tyrosine 101 with phenylalanine.
Molecular consequence: missense variant. On other transcripts: non-coding transcript variant (4).
Genome position (GRCh38, 1-based): chr17:78,125,854, T>A on the plus strand (A>T on the coding strand, the complement: TMC6 is on the minus strand). VCF-style: chr17-78125854-T-A. GRCh37 (hg19) VCF-style: chr17-76121935-T-A.
Other names: c.302A>T, p.Tyr101Phe (NM_001321185.1, NM_001374593.1, NM_001374594.1 and 4 more transcripts); c.302A>T (NM_007267.6); short protein forms Y101F.
Identifiers: ClinVar variation 1511621 (VCV001511621.4), dbSNP rs145262917, ClinGen allele CA8796171.